The following is an entry in ClinVar:

NM_004525.3(LRP2):c.9053G>A (p.Cys3018Tyr)

Gene: LRP2 (LDL receptor related protein 2; minus strand). Cytogenetic location: 2q31.1.
Variant type: single nucleotide variant.
Coding change: c.9053G>A on transcript NM_004525.3 (MANE Select); coding-DNA position 9053, G replaced by A.
Protein change: p.Cys3018Tyr; replaces cysteine 3018 with tyrosine.
Molecular consequence: missense variant.
Genome position (GRCh38, 1-based): chr2:169,188,245, C>T on the plus strand (G>A on the coding strand, the complement: LRP2 is on the minus strand). VCF-style: chr2-169188245-C-T. GRCh37 (hg19) VCF-style: chr2-170044755-C-T.
Other names: short protein forms C3018Y.
Identifiers: ClinVar variation 1461357 (VCV001461357.8), dbSNP rs2105305901, ClinGen allele CA349157710.

ClinVar aggregate classification (germline): Uncertain significance (1 of 4 stars; one submission).

gnomAD v4.1: 1 of 1,614,152 alleles (0.000062%); highest among the groups gnomAD compares: Non-Finnish European, 0.000085%; no homozygotes.

Submission:

Labcorp Genetics (formerly Invitae), Labcorp
Classification: Uncertain significance. Last evaluated: 2025-03-03. Review status: criteria provided, single submitter. Criteria: Invitae Variant Classification Sherloc (09022015). Collection method: clinical testing. Allele origin: germline.
Comment: This sequence change replaces cysteine, which is neutral and slightly polar, with tyrosine, which is neutral and polar, at codon 3018 of the LRP2 protein (p.Cys3018Tyr). This variant is not present in population databases (gnomAD no frequency). This variant has not been reported in the literature in individuals affected with LRP2-related conditions. ClinVar contains an entry for this variant (Variation ID: 1461357). Invitae Evidence Modeling of protein sequence and biophysical properties (such as structural, functional, and spatial information, amino acid conservation, physicochemical variation, residue mobility, and thermodynamic stability) indicates that this missense variant is expected to disrupt LRP2 protein function with a positive predictive value of 95%. In summary, the available evidence is currently insufficient to determine the role of this variant in disease. Therefore, it has been classified as a Variant of Uncertain Significance.